The following is an entry in ClinVar:

ClinVar aggregate classification (germline): Uncertain significance (1 of 4 stars; one submission).

Submission:

CeGaT Center for Human Genetics Tuebingen
Classification: Uncertain significance. Last evaluated: 2023-06-01. Review status: criteria provided, single submitter. Criteria: CeGaT Center For Human Genetics Tuebingen Variant Classification Criteria Version 2. Collection method: clinical testing. Allele origin: germline. Affected: yes. Observed: 1 variant allele.
Comment: MICAL1: PM2

NM_022765.4(MICAL1):c.422A>C (p.Lys141Thr)

Gene: MICAL1 (microtubule associated monooxygenase, calponin and LIM domain containing 1; minus strand). Cytogenetic location: 6q21.
Variant type: single nucleotide variant.
Coding change: c.422A>C on transcript NM_022765.4 (MANE Select); coding-DNA position 422, A replaced by C.
Protein change: p.Lys141Thr; replaces lysine 141 with threonine.
Molecular consequence: missense variant.
Genome position (GRCh38, 1-based): chr6:109,453,682, T>G on the plus strand (A>C on the coding strand, the complement: MICAL1 is on the minus strand). VCF-style: chr6-109453682-T-G. GRCh37 (hg19) VCF-style: chr6-109774885-T-G.
Other names: c.422A>C, p.Lys141Thr (NM_001159291.2); c.479A>C, p.Lys160Thr (NM_001286613.2); short protein forms K141T, K160T.
Identifiers: ClinVar variation 2656828 (VCV002656828.24), dbSNP rs2482814916, ClinGen allele CA365233343.